The following is an entry in ClinVar:

ClinVar aggregate classification (germline): Uncertain significance (1 of 4 stars; one submission).

Conditions:
Carney complex, type 1 (CNC1). Also called: CARNEY MYXOMA-ENDOCRINE COMPLEX; CARNEY COMPLEX, TYPE I. Identifiers: Orphanet 1359, MedGen C2607929, MONDO:0008057, OMIM 160980.

Submission:

Labcorp Genetics (formerly Invitae), Labcorp
Classification: Uncertain significance for Carney complex, type 1. Last evaluated: 2022-04-02. Review status: criteria provided, single submitter. Criteria: Invitae Variant Classification Sherloc (09022015). Collection method: clinical testing. Allele origin: germline.
Comment: Variants that disrupt the consensus splice site are a relatively common cause of aberrant splicing (PMID: 17576681, 9536098). Algorithms developed to predict the effect of sequence changes on RNA splicing suggest that this variant may disrupt the consensus splice site. In summary, the available evidence is currently insufficient to determine the role of this variant in disease. Therefore, it has been classified as a Variant of Uncertain Significance. ClinVar contains an entry for this variant (Variation ID: 959036). This variant has not been reported in the literature in individuals affected with PRKAR1A-related conditions. This variant is not present in population databases (gnomAD no frequency). This sequence change falls in intron 1 of the PRKAR1A gene. It does not directly change the encoded amino acid sequence of the PRKAR1A protein. It affects a nucleotide within the consensus splice site.

Literature cited by the submitters: PubMed 17576681; PubMed 9536098.

NM_002734.5(PRKAR1A):c.-7+1G>C

Gene: PRKAR1A (protein kinase cAMP-dependent type I regulatory subunit alpha; plus strand). Cytogenetic location: 17q24.2.
Variant type: single nucleotide variant.
Coding change: c.-7+1G>C on transcript NM_002734.5 (MANE Select); the canonical splice donor site of the intron after 7 bases upstream of the start codon, G replaced by C.
Molecular consequence: splice donor variant. On other transcripts: 5 prime UTR variant (1), intron variant (3).
Genome position (GRCh38, 1-based): chr17:68,512,549, G>C. VCF-style: chr17-68512549-G-C. GRCh37 (hg19) VCF-style: chr17-66508690-G-C.
Other names: c.-37G>C (NM_212472.2); c.-6-2845G>C (NM_001278433.2); c.-140+407G>C (NM_001369389.1); c.-7+407G>C (NM_212471.3); c.-140+1G>C (NM_001276289.2).
Identifiers: ClinVar variation 959036 (VCV000959036.8), dbSNP rs587776773, ClinGen allele CA1139665854.